The following is an entry in ClinVar:

ClinVar aggregate classification (germline): Uncertain significance. Review status: criteria provided, multiple submitters, no conflicts (2 of 4 stars). 8 submissions from 8 submitters: Uncertain significance (7). 1 of the submissions does not count toward it. Last evaluated 2026-09-03.

Conditions:
Emery-Dreifuss muscular dystrophy 4, autosomal dominant (EDMD4). Also called: EMERY-DREIFUSS MUSCULAR DYSTROPHY 4 WITH VARIABLE FEATURES. Identifiers: Orphanet 261, MedGen C2751807, MONDO:0013071, OMIM 612998.
Autosomal recessive ataxia, Beauce type. Also called: SYNE1 Deficiency; SYNE1-Related Autosomal Recessive Cerebellar Ataxia; ATAXIA, RECESSIVE, OF BEAUCE; Spinocerebellar ataxia, autosomal recessive 8. Identifiers: Orphanet 88644, MedGen C1853116, MONDO:0012549, OMIM 610743.
Intellectual disability. Also called: Intellectual functioning disability; intellectual disabilities; Intellectual developmental disorder. Identifiers: MedGen C3714756, MeSH D008607, MONDO:0001071, HP:0001249.

Allele frequency attached by ClinVar (database versions not stated): ExAC 0.00008; gnomAD exomes 0.00008; gnomAD 0.00010 and 0.00011; TOPMed 0.00012.
gnomAD v4.1: 343 of 1,614,052 alleles (0.021%); highest among the groups gnomAD compares: Non-Finnish European, 0.028%; no homozygotes.

Submissions (8):

GeneDx
Classification: Uncertain significance. Last evaluated: 2026-09-03. Review status: criteria provided, single submitter. Criteria: GeneDx Variant Classification Process June 2021. Collection method: clinical testing. Allele origin: germline.
Comment: Has not been previously published as pathogenic or benign to our knowledge; In silico analysis supports that this missense variant has a deleterious effect on protein structure/function

Mayo Clinic Laboratories, Mayo Clinic
Classification: Uncertain significance. Last evaluated: 2025-10-03. Review status: criteria provided, single submitter. Criteria: ACMG Guidelines, 2015. Collection method: clinical testing. Allele origin: germline. Observed: 1 variant allele.
Comment: BP4_moderate, PM2_supporting

CeGaT Center for Human Genetics Tuebingen
Classification: Uncertain significance. Last evaluated: 2025-10-01. Review status: criteria provided, single submitter. Criteria: CeGaT Center For Human Genetics Tuebingen Variant Classification Criteria Version 2. Collection method: clinical testing. Allele origin: germline. Affected: yes. Observed: 1 variant allele.
Comment: SYNE1: PM2, BP4

Athena Diagnostics
Classification: Uncertain significance. Last evaluated: 2023-01-27. Review status: criteria provided, single submitter. Criteria: Athena Diagnostics Criteria. Collection method: clinical testing. Allele origin: unknown.
Comment: Available data are insufficient to determine the clinical significance of the variant at this time. The frequency of this variant in the general population is uninformative in assessment of its pathogenicity. Computational tools predict that this variant is not damaging.

Labcorp Genetics (formerly Invitae), Labcorp
Classification: Uncertain significance for Emery-Dreifuss muscular dystrophy 4, autosomal dominant; Autosomal recessive ataxia, Beauce type. Last evaluated: 2022-10-05. Review status: criteria provided, single submitter. Criteria: Invitae Variant Classification Sherloc (09022015). Collection method: clinical testing. Allele origin: germline.
Comment: This sequence change replaces arginine, which is basic and polar, with serine, which is neutral and polar, at codon 4926 of the SYNE1 protein (p.Arg4926Ser). This variant is present in population databases (rs201306174, gnomAD 0.02%). This variant has not been reported in the literature in individuals affected with SYNE1-related conditions. ClinVar contains an entry for this variant (Variation ID: 289145). Algorithms developed to predict the effect of missense changes on protein structure and function are either unavailable or do not agree on the potential impact of this missense change (SIFT: "Deleterious"; PolyPhen-2: "Benign"; Align-GVGD: "Class C35"). In summary, the available evidence is currently insufficient to determine the role of this variant in disease. Therefore, it has been classified as a Variant of Uncertain Significance.

Revvity Omics, Revvity
Classification: Uncertain significance. Last evaluated: 2021-05-19. Review status: criteria provided, single submitter. Criteria: ACMG Guidelines, 2015. Collection method: clinical testing. Allele origin: germline.

Eurofins Ntd Llc (ga)
Classification: Uncertain significance. Last evaluated: 2016-07-05. Review status: criteria provided, single submitter. Criteria: EGL Classification Definitions 2015. Collection method: clinical testing. Allele origin: germline. Observed: 4 variant alleles, 4 heterozygotes.

Centre de Biologie Pathologie Génétique, Centre Hospitalier Universitaire de Lille
Classification: Likely benign for Intellectual disability. Last evaluated: 2019-01-01. Review status: no assertion criteria provided. Collection method: clinical testing. Allele origin: inherited. Affected: yes. Not counted in ClinVar's aggregate classification.

NM_182961.4(SYNE1):c.14991G>T (p.Arg4997Ser)

Gene: SYNE1 (spectrin repeat containing nuclear envelope protein 1; minus strand). Cytogenetic location: 6q25.2.
Variant type: single nucleotide variant.
Coding change: c.14991G>T on transcript NM_182961.4 (MANE Select); coding-DNA position 14991, G replaced by T.
Protein change: p.Arg4997Ser; replaces arginine 4997 with serine.
Molecular consequence: missense variant.
Genome position (GRCh38, 1-based): chr6:152,326,598, C>A on the plus strand (G>T on the coding strand, the complement: SYNE1 is on the minus strand). VCF-style: chr6-152326598-C-A. GRCh37 (hg19) VCF-style: chr6-152647733-C-A.
Other names: p.Arg4926Ser; c.14778G>T, p.Arg4926Ser (NM_033071.5); short protein forms R4926S, R4997S.
Identifiers: ClinVar variation 289145 (VCV000289145.26), dbSNP rs201306174, ClinGen allele CA4055891.